The following is an entry in ClinVar:

NM_198253.3(TERT):c.1585G>T (p.Val529Phe)

Gene: TERT (telomerase reverse transcriptase; minus strand). Cytogenetic location: 5p15.33.
Variant type: single nucleotide variant.
Coding change: c.1585G>T on transcript NM_198253.3 (MANE Select); coding-DNA position 1585, G replaced by T.
Protein change: p.Val529Phe; replaces valine 529 with phenylalanine.
Molecular consequence: missense variant. On other transcripts: non-coding transcript variant (2).
Genome position (GRCh38, 1-based): chr5:1,282,613, C>A on the plus strand (G>T on the coding strand, the complement: TERT is on the minus strand). VCF-style: chr5-1282613-C-A. GRCh37 (hg19) VCF-style: chr5-1282728-C-A.
Other names: c.1585G>T, p.Val529Phe (NM_001193376.3); short protein forms V529F.
Identifiers: ClinVar variation 5030671 (VCV005030671.1).

ClinVar aggregate classification (germline): Uncertain significance (1 of 4 stars; one submission).

Conditions:
Dyskeratosis congenita. Identifiers: Orphanet 1775, MedGen C0265965, MONDO:0015780.

Submission:

Ambry Genetics
Classification: Uncertain significance for Dyskeratosis congenita. Last evaluated: 2026-09-05. Review status: criteria provided, single submitter. Criteria: Ambry Variant Classification Scheme 2023. Collection method: clinical testing. Allele origin: germline.
Comment: The p.V529F variant (also known as c.1585G>T), located in coding exon 3 of the TERT gene, results from a G to T substitution at nucleotide position 1585. The valine at codon 529 is replaced by phenylalanine, an amino acid with highly similar properties. This amino acid position is conserved. In addition, this alteration is predicted to be tolerated by in silico analysis. Based on the available evidence, the clinical significance of this variant remains unclear.